The following is an entry in ClinVar:

NM_001378414.1(HDAC4):c.1609C>T (p.His537Tyr)

Gene: HDAC4 (histone deacetylase 4; minus strand). Cytogenetic location: 2q37.3.
Variant type: single nucleotide variant.
Coding change: c.1609C>T on transcript NM_001378414.1 (MANE Select); coding-DNA position 1609, C replaced by T.
Protein change: p.His537Tyr; replaces histidine 537 with tyrosine.
Molecular consequence: missense variant.
Genome position (GRCh38, 1-based): chr2:239,115,235, G>A on the plus strand (C>T on the coding strand, the complement: HDAC4 is on the minus strand). VCF-style: chr2-239115235-G-A. GRCh37 (hg19) VCF-style: chr2-240036931-G-A.
Other names: c.1513C>T, p.His505Tyr (NM_001435998.1); c.1609C>T, p.His537Tyr (NM_001378415.1); c.1594C>T, p.His532Tyr (NM_001378416.1, NM_001378417.1, NM_001435996.1 and 1 more transcripts); c.1528C>T, p.His510Tyr (NM_001435991.1, NM_001435992.1, NM_001435994.1); c.1450C>T, p.His484Tyr (NM_001435993.1); short protein forms H484Y, H505Y, H510Y, H532Y, H537Y.
Identifiers: ClinVar variation 4532398 (VCV004532398.1).

ClinVar aggregate classification (germline): Uncertain significance (1 of 4 stars; one submission).

Submission:

GeneDx
Classification: Uncertain significance. Last evaluated: 2025-05-27. Review status: criteria provided, single submitter. Criteria: GeneDx Variant Classification Process June 2021. Collection method: clinical testing. Allele origin: germline. Affected: yes.
Comment: Not observed at significant frequency in large population cohorts (gnomAD); In silico analysis suggests that this missense variant does not alter protein structure/function; Has not been previously published as pathogenic or benign to our knowledge; In silico analysis suggests this variant may impact gene splicing. In the absence of RNA/functional studies, the actual effect of this sequence change is unknown.